The following is an entry in ClinVar:

ClinVar aggregate classification (germline): Pathogenic/Likely pathogenic. Review status: criteria provided, multiple submitters, no conflicts (2 of 4 stars). 7 submissions from 7 submitters: Pathogenic (6); Likely pathogenic (1). Last evaluated 2025-05-30.

Conditions:
THRB-related disorder. Also called: THRB-related condition.
Thyroid hormone resistance, generalized, autosomal dominant (GRTHD). Also called: HYPERTHYROXINEMIA, FAMILIAL EUTHYROID, SECONDARY TO PITUITARY AND PERIPHERAL RESISTANCE TO THYROID HORMONES. Identifiers: MedGen C2937288, MONDO:0008569, OMIM 188570.
Hyperthyroidism. Identifiers: MedGen C0020550, MONDO:0004425, HP:0000836.

Allele frequency attached by ClinVar (database versions not stated): gnomAD 0.00001; TOPMed 0.00001.
gnomAD v4.1: 1 of 1,614,016 alleles (0.000062%); highest among the groups gnomAD compares: Non-Finnish European, 0.000085%; no homozygotes.

Submissions (7):

GeneDx
Classification: Likely pathogenic. Last evaluated: 2025-05-30. Review status: criteria provided, single submitter. Criteria: GeneDx Variant Classification Process June 2021. Collection method: clinical testing. Allele origin: germline. Affected: yes.
Comment: Published functional studies shows that R429Q is associated with decreased homodimer formation as well as decreased hormone-mediated inhibition (PMID: 7528740); Not observed at significant frequency in large population cohorts (gnomAD); In silico analysis supports that this missense variant has a deleterious effect on protein structure/function; This variant is associated with the following publications: (PMID: 11167935, 21622532, 10847591, 19439650, 21703645, 8040303, 28257829, 32635414, 25040256, 7528740, 35253369, 15815068)

PreventionGenetics, part of Exact Sciences
Classification: Pathogenic for THRB-related condition. Last evaluated: 2025-05-28. Review status: criteria provided, single submitter. Criteria: ACMG Guidelines, 2015. Collection method: clinical testing. Allele origin: germline.
Comment: The THRB c.1286G>A variant is predicted to result in the amino acid substitution p.Arg429Gln. This variant has been reported in multiple heterozygous patients with thyroid hormone resistance (Adams et al. 1994. PubMed ID: 8040303; Macchia et al. 2014. PubMed ID: 25040256). This variant has not been reported in a large population database (gnomAD), indicating this variant is rare. This variant is interpreted as pathogenic.

Cambridge Genomics Laboratory, East Genomic Laboratory Hub, NHS Genomic Medicine Service
Classification: Pathogenic for Hyperthyroidism. Last evaluated: 2024-09-02. Review status: criteria provided, single submitter. Criteria: ACGS Best Practice Guidelines for Variant Classification in Rare Disease 2020. Collection method: clinical testing. Allele origin: germline. Affected: yes.
Comment: PS3_Supporting,PS4_Moderate,PM1_Supporting,PM2_Supporting,PM5,PP1_Strong,PP3,PP4

Blueprint Genetics
Classification: Pathogenic for THRB-related disorders. Last evaluated: 2023-03-31. Review status: criteria provided, single submitter. Criteria: ACMG Guidelines, 2015. Collection method: clinical testing. Allele origin: germline. Affected: yes. Observed: 5 variant alleles.

Quest Diagnostics Nichols Institute San Juan Capistrano
Classification: Pathogenic. Last evaluated: 2023-03-08. Review status: criteria provided, single submitter. Criteria: Quest Diagnostics criteria. Collection method: clinical testing. Allele origin: unknown.
Comment: The frequency of this variant in the general population, 0.0000066 (1/152132 chromosomes), is consistent with pathogenicity. In the published literature, the variant has been reported in individuals with resistance to thyroid hormone (RTH) (PMIDs: 8040303 (1994), 7528740 (1994), 11167935 (2001), 21703645 (2011), and 32635414 (2020)). Functional studies show damaging effects on homodimerization, protein-protein binding and gene repression (PMIDs: 7528740 (1994), 8040303 (1994), 10847591 (2000), 19439650 (2009), 21622532 (2011), and 25040256 (2014)). Analysis of this variant using bioinformatics tools for the prediction of the effect of amino acid changes on protein structure and function yielded predictions that this variant is damaging. Based on the available information, this variant is classified as pathogenic.

Women's Health and Genetics/Laboratory Corporation of America, LabCorp
Classification: Pathogenic for Thyroid hormone resistance, generalized, autosomal dominant. Last evaluated: 2022-01-27. Review status: criteria provided, single submitter. Criteria: LabCorp Variant Classification Summary - May 2015. Collection method: clinical testing. Allele origin: germline.
Comment: Variant summary: THRB c.1286G>A (p.Arg429Gln) results in a conservative amino acid change located in the Nuclear hormone receptor, ligand-binding domain (IPR000536) of the encoded protein sequence. Four of five in-silico tools predict a damaging effect of the variant on protein function. The variant was absent in 251492 control chromosomes. c.1286G>A has been reported in the literature in multiple individuals affected with autosomal dominant generalized and pitutary Thyroid Hormone Resistance (example, Flynn_1994, Adams_1994, Taniyama_2001, Kong_2005, Abeal_2011, Dieu_2020). These data indicate that the variant is very likely to be associated with disease. Multiple publications report experimental evidence evaluating an impact on protein function (example, Flynn_1994, Adams_1994, Wei Wan_2005). The most pronounced variant effect results in approximately 20% of normal affinity for T3 hormone binding by the mutant receptors (Adams_1994). One clinical diagnostic laboratory has submitted clinical-significance assessments for this variant to ClinVar after 2014 without evidence for independent evaluation and classified the variant as pathogenic. Based on the evidence outlined above, the variant was classified as pathogenic.

Clinical Molecular Genetics Laboratory, Johns Hopkins All Children's Hospital
Classification: Pathogenic for Thyroid hormone resistance, generalized, autosomal dominant. Last evaluated: 2018-05-21. Review status: criteria provided, single submitter. Criteria: ACMG Guidelines, 2015. Collection method: clinical testing. Allele origin: germline. Inheritance: Autosomal dominant inheritance. Affected: yes. Observed: 1 variant allele, 1 heterozygote.

Literature cited by the submitters: PubMed 7528740 (cited by Quest Diagnostics Nichols Institute San Juan Capistrano and Women's Health and Genetics/Laboratory Corporation of America, LabCorp); PubMed 8040303 (cited by Quest Diagnostics Nichols Institute San Juan Capistrano and Women's Health and Genetics/Laboratory Corporation of America, LabCorp); PubMed 11167935 (cited by Quest Diagnostics Nichols Institute San Juan Capistrano and Women's Health and Genetics/Laboratory Corporation of America, LabCorp); PubMed 19439650 (cited by Quest Diagnostics Nichols Institute San Juan Capistrano and Women's Health and Genetics/Laboratory Corporation of America, LabCorp); PubMed 21703645 (cited by Quest Diagnostics Nichols Institute San Juan Capistrano and Women's Health and Genetics/Laboratory Corporation of America, LabCorp); PubMed 21622532 (cited by Quest Diagnostics Nichols Institute San Juan Capistrano); PubMed 15815068 (cited by Quest Diagnostics Nichols Institute San Juan Capistrano and Women's Health and Genetics/Laboratory Corporation of America, LabCorp); PubMed 11152480 (cited by Quest Diagnostics Nichols Institute San Juan Capistrano); PubMed 10847591 (cited by Quest Diagnostics Nichols Institute San Juan Capistrano); PubMed 25040256 (cited by Quest Diagnostics Nichols Institute San Juan Capistrano); PubMed 28257829 (cited by Quest Diagnostics Nichols Institute San Juan Capistrano and Women's Health and Genetics/Laboratory Corporation of America, LabCorp); PubMed 35253369 (cited by Quest Diagnostics Nichols Institute San Juan Capistrano); PubMed 32635414 (cited by Quest Diagnostics Nichols Institute San Juan Capistrano and Women's Health and Genetics/Laboratory Corporation of America, LabCorp); PubMed 15802373 (cited by Women's Health and Genetics/Laboratory Corporation of America, LabCorp).

NM_001354712.2(THRB):c.1286G>A (p.Arg429Gln)

Gene: THRB (thyroid hormone receptor beta; minus strand). Cytogenetic location: 3p24.2.
Variant type: single nucleotide variant.
Coding change: c.1286G>A on transcript NM_001354712.2 (MANE Select); coding-DNA position 1286, G replaced by A.
Protein change: p.Arg429Gln; replaces arginine 429 with glutamine.
Molecular consequence: missense variant.
Genome position (GRCh38, 1-based): chr3:24,122,984, C>T on the plus strand (G>A on the coding strand, the complement: THRB is on the minus strand). VCF-style: chr3-24122984-C-T. GRCh37 (hg19) VCF-style: chr3-24164475-C-T.
Other names: c.1286G>A, p.Arg429Gln (NM_000461.5, NM_001128176.3, NM_001128177.2 and 6 more transcripts); c.1193G>A, p.Arg398Gln (NM_001354714.2, NM_001354715.2); c.1286G>A (NM_001252634.1); short protein forms R429Q, R398Q.
Identifiers: ClinVar variation 548123 (VCV000548123.10), dbSNP rs1553609210, ClinGen allele CA351886655.